The following is an entry in ClinVar:

NM_003458.4(BSN):c.6358_6359delinsTC (p.Gly2120Ser)

Gene: BSN (bassoon presynaptic cytomatrix protein; plus strand). Cytogenetic location: 3p21.31.
Variant type: Indel.
Coding change: c.6358_6359delinsTC on transcript NM_003458.4 (MANE Select); coding-DNA positions 6358 to 6359, GG replaced by TC.
Protein change: p.Gly2120Ser; replaces glycine 2120 with serine.
Molecular consequence: missense variant.
Genome position (GRCh38, 1-based): chr3:49,655,914-49,655,915, GG replaced by TC. VCF-style: chr3-49655914-GG-TC. GRCh37 (hg19) VCF-style: chr3-49693347-GG-TC.
Other names: short protein forms G2120S.
Identifiers: ClinVar variation 3903417 (VCV003903417.1).
Genomic context (GRCh38, chr3:49,655,914, plus strand): 5'-CGCATGTGCGCTGCCCTCAACTCCATGGACCAGTATGGTGGGCGGCATGGCAGTGGTGGT[GG>TC]TGGCCCTGACCTTGTGCAGTACCAGCCCCAGCACGGGCCCGGGCTCAGTGCTCCACAGAG-3'
Protein context (NP_003449.2, residues 2110-2130): QYGGRHGSGG[Gly2120Ser]GPDLVQYQPQ

ClinVar aggregate classification (germline): Uncertain significance (1 of 4 stars; one submission).

Submission:

GeneDx
Classification: Uncertain significance. Last evaluated: 2024-12-08. Review status: criteria provided, single submitter. Criteria: GeneDx Variant Classification Process June 2021. Collection method: clinical testing. Allele origin: germline. Affected: yes.
Comment: Not observed at significant frequency in large population cohorts (gnomAD); In silico analysis is inconclusive as to whether the variant alters gene splicing. In the absence of RNA/functional studies, the actual effect of this sequence change is unknown.; In silico analysis indicates that this variant does not alter protein structure/function; Has not been previously published as pathogenic or benign to our knowledge; Variants in candidate genes are classified as variants of uncertain significance in accordance with ACMG guidelines (PMID: 25741868)